The following is an entry in ClinVar:

NM_004356.4(CD81):c.375G>T (p.Gln125His)

Gene: CD81 (CD81 molecule; plus strand). Cytogenetic location: 11p15.5.
Variant type: single nucleotide variant.
Coding change: c.375G>T on transcript NM_004356.4 (MANE Select); coding-DNA position 375, G replaced by T.
Protein change: p.Gln125His; replaces glutamine 125 with histidine.
Molecular consequence: missense variant.
Genome position (GRCh38, 1-based): chr11:2,395,436, G>T. VCF-style: chr11-2395436-G-T. GRCh37 (hg19) VCF-style: chr11-2416666-G-T.
Other names: c.162G>T, p.Gln54His (NM_001297649.2, NM_001425129.1, NM_001425130.1 and 4 more transcripts); c.498G>T, p.Gln166His (NM_001425135.1); c.375G>T, p.Gln125His (NM_001425137.1); short protein forms Q125H, Q166H, Q54H.
Identifiers: ClinVar variation 2975253 (VCV002975253.3), dbSNP rs770173097, ClinGen allele CA5819990.
Genomic context (GRCh38, chr11:2,395,436, plus strand): 5'-GGAGGTTCCCCCTGTGCATGTGACCGCACCCCTCCCCCAGATCGCCAAGGATGTGAAGCA[G>T]TTCTATGACCAGGCCCTACAGCAGGCCGTGGTGGATGATGACGCCAACAACGCCAAGGCT-3'
Protein context (NP_004347.1, residues 115-135): NKDQIAKDVK[Gln125His]FYDQALQQAV

ClinVar aggregate classification (germline): Uncertain significance (1 of 4 stars; one submission).

Allele frequency attached by ClinVar (database versions not stated): TOPMed 0.00002; ExAC 0.00002.
gnomAD v4.1: 30 of 1,612,702 alleles (0.0019%); highest among the groups gnomAD compares: Non-Finnish European, 0.0025%; no homozygotes.

Submission:

Labcorp Genetics (formerly Invitae), Labcorp
Classification: Uncertain significance. Last evaluated: 2025-07-09. Review status: criteria provided, single submitter. Criteria: Invitae Variant Classification Sherloc (09022015). Collection method: clinical testing. Allele origin: germline.
Comment: This sequence change replaces glutamine, which is neutral and polar, with histidine, which is basic and polar, at codon 125 of the CD81 protein (p.Gln125His). This variant is present in population databases (rs770173097, gnomAD 0.007%). This variant has not been reported in the literature in individuals affected with CD81-related conditions. ClinVar contains an entry for this variant (Variation ID: 2975253). An algorithm developed to predict the effect of missense changes on protein structure and function (PolyPhen-2) suggests that this variant is likely to be disruptive. Algorithms developed to predict the effect of sequence changes on RNA splicing suggest that this variant may create or strengthen a splice site. In summary, the available evidence is currently insufficient to determine the role of this variant in disease. Therefore, it has been classified as a Variant of Uncertain Significance.